The following is an entry in ClinVar:

NM_017780.4(CHD7):c.510G>A (p.Pro170=)

Gene: CHD7 (chromodomain helicase DNA binding protein 7; plus strand). Cytogenetic location: 8q12.2.
Variant type: single nucleotide variant.
Coding change: c.510G>A on transcript NM_017780.4 (MANE Select); coding-DNA position 510, G replaced by A.
Protein change: p.Pro170=; no amino-acid change (proline 170 retained).
Molecular consequence: synonymous variant.
Genome position (GRCh38, 1-based): chr8:60,741,942, G>A. VCF-style: chr8-60741942-G-A. GRCh37 (hg19) VCF-style: chr8-61654501-G-A.
Other names: c.510G>A, p.Pro170= (NM_001316690.1).
Identifiers: ClinVar variation 704668 (VCV000704668.35), dbSNP rs748841915, ClinGen allele CA4759330.
Genomic context (GRCh38, chr8:60,741,942, plus strand): 5'-TCAGGTACCAGACCAGATACGAGCCCCCTACCAGCAGCAGCAGCCACAGCCGCAGCCACC[G>A]CAGCCGGCTCCGTCGGGGCCCCCTGCACAGGGCCACCCTCAGCACATGCAGCAGATGGGC-3'
Protein context (NP_060250.2, residues 160-180): YQQQQPQPQP[Pro170=]QPAPSGPPAQ

ClinVar aggregate classification (germline): Likely benign. Review status: criteria provided, multiple submitters, no conflicts (2 of 4 stars). 5 submissions from 5 submitters: Likely benign (5). Last evaluated 2026-01-26.

Conditions:
CHARGE syndrome (CHARGE). Also called: Hittner Hirsch Kreh syndrome; CHARGE ASSOCIATION--COLOBOMA, HEART ANOMALY, CHOANAL ATRESIA, RETARDATION, GENITAL AND EAR ANOMALIES; Coloboma, heart anomaly, choanal atresia, retardation, genital and ear anomalies; CHARGE association; Hall-Hittner syndrome. Identifiers: Orphanet 138, MedGen C0265354, MONDO:0008965.
Hypogonadotropic hypogonadism 5 with or without anosmia (KAL5). Also called: HYPOGONADOTROPIC HYPOGONADISM 5 WITH ANOSMIA; HYPOGONADOTROPHIC HYPOGONADISM 5 WITHOUT ANOSMIA; CHD7-Related GnRH Deficiency (Kallmann Syndrome 5). Identifiers: Orphanet 478, MedGen C3552553, MONDO:0012880, OMIM 612370. Disease mechanism: loss of function.
Inborn genetic diseases. Identifiers: MedGen C0950123, MeSH D030342.

Allele frequency attached by ClinVar (database versions not stated): gnomAD exomes 0.00002; ExAC 0.00003; gnomAD 0.00005 and 0.00006; TOPMed 0.00008.
gnomAD v4.1: 51 of 1,613,244 alleles (0.0032%); highest among the groups gnomAD compares: African/African-American, 0.0093%; no homozygotes.

Submissions (5):

Labcorp Genetics (formerly Invitae), Labcorp
Classification: Likely benign for CHARGE syndrome. Last evaluated: 2026-01-26. Review status: criteria provided, single submitter. Criteria: Invitae Variant Classification Sherloc (09022015). Collection method: clinical testing. Allele origin: germline.

CeGaT Center for Human Genetics Tuebingen
Classification: Likely benign. Last evaluated: 2023-12-01. Review status: criteria provided, single submitter. Criteria: CeGaT Center For Human Genetics Tuebingen Variant Classification Criteria Version 2. Collection method: clinical testing. Allele origin: germline. Affected: yes. Observed: 1 variant allele.
Comment: CHD7: BP4, BP7

Fulgent Genetics
Classification: Likely benign for CHD7-related CHARGE syndrome; Hypogonadotropic hypogonadism 5 with or without anosmia. Last evaluated: 2022-04-22. Review status: criteria provided, single submitter. Criteria: ACMG Guidelines, 2015. Collection method: clinical testing. Allele origin: unknown.

GeneDx
Classification: Likely benign. Last evaluated: 2021-03-29. Review status: criteria provided, single submitter. Criteria: GeneDx Variant Classification Process June 2021. Collection method: clinical testing. Allele origin: germline. Affected: yes.

Ambry Genetics
Classification: Likely benign for Inborn genetic diseases. Last evaluated: 2017-11-24. Review status: criteria provided, single submitter. Criteria: Ambry Variant Classification Scheme 2023. Collection method: clinical testing. Allele origin: germline.